The following is an entry in ClinVar:

ClinVar aggregate classification (germline): Uncertain significance (1 of 4 stars; one submission).

Conditions:
DLGAP2-related disorder. Also called: DLGAP2-related condition.

Submission:

PreventionGenetics, part of Exact Sciences
Classification: Uncertain significance for DLGAP2-related condition. Last evaluated: 2026-06-18. Review status: criteria provided, single submitter. Criteria: ACMG Guidelines, 2015. Collection method: clinical testing. Allele origin: germline.
Comment: The DLGAP2 c.982C>G variant is predicted to result in the amino acid substitution p.Pro328Ala. To our knowledge, this variant has not been reported in the literature or in a large population database (gnomAD), indicating this variant is rare. At this time, the clinical significance of this variant is uncertain due to the absence of conclusive functional and genetic evidence.

NM_001346810.2(DLGAP2):c.982C>G (p.Pro328Ala)

Gene: DLGAP2 (DLG associated protein 2; plus strand). Cytogenetic location: 8p23.3.
Variant type: single nucleotide variant.
Coding change: c.982C>G on transcript NM_001346810.2 (MANE Select); coding-DNA position 982, C replaced by G.
Protein change: p.Pro328Ala; replaces proline 328 with alanine.
Molecular consequence: missense variant.
Genome position (GRCh38, 1-based): chr8:1,549,435, C>G. VCF-style: chr8-1549435-C-G. GRCh37 (hg19) VCF-style: chr8-1497601-C-G.
Other names: short protein forms P328A.
Identifiers: ClinVar variation 4996560 (VCV004996560.1).